The following is an entry in ClinVar:

ClinVar aggregate classification (germline): Uncertain significance. Review status: criteria provided, multiple submitters, no conflicts (2 of 4 stars). 4 submissions from 4 submitters: Uncertain significance (4). Last evaluated 2025-11-19.

Conditions:
Congenital myopathy with internal nuclei and atypical cores. Also called: Myopathy, centronuclear, 4. Identifiers: Orphanet 319160, MedGen C4707232, MONDO:0013890, OMIM 614807.
CCDC78-related disorder. Also called: CCDC78-related condition.
Inborn genetic diseases. Identifiers: MedGen C0950123, MeSH D030342.

Allele frequency attached by ClinVar (database versions not stated): TOPMed 0.00006; gnomAD exomes 0.00007; ExAC 0.00013; gnomAD 0.00014 and 0.00015; ESP Exome Variant Server 0.00023.
gnomAD v4.1: 134 of 1,608,074 alleles (0.0083%); highest among the groups gnomAD compares: Non-Finnish European, 0.0092%; no homozygotes.

Submissions (4):

Labcorp Genetics (formerly Invitae), Labcorp
Classification: Uncertain significance for Congenital myopathy with internal nuclei and atypical cores. Last evaluated: 2025-11-19. Review status: criteria provided, single submitter. Criteria: Invitae Variant Classification Sherloc (09022015). Collection method: clinical testing. Allele origin: germline.
Comment: This sequence change replaces valine, which is neutral and non-polar, with leucine, which is neutral and non-polar, at codon 146 of the CCDC78 protein (p.Val146Leu). This variant is present in population databases (rs148705181, gnomAD 0.02%). This variant has not been reported in the literature in individuals affected with CCDC78-related conditions. ClinVar contains an entry for this variant (Variation ID: 576879). An algorithm developed to predict the effect of missense changes on protein structure and function (PolyPhen-2) suggests that this variant is likely to be disruptive. Algorithms developed to predict the effect of sequence changes on RNA splicing suggest that this variant may disrupt the consensus splice site. In summary, the available evidence is currently insufficient to determine the role of this variant in disease. Therefore, it has been classified as a Variant of Uncertain Significance.

PreventionGenetics, part of Exact Sciences
Classification: Uncertain significance for CCDC78-related condition. Last evaluated: 2025-02-12. Review status: criteria provided, single submitter. Criteria: ACMG Guidelines, 2015. Collection method: clinical testing. Allele origin: germline.
Comment: The CCDC78 c.436G>T variant is predicted to result in the amino acid substitution p.Val146Leu. To our knowledge, this variant has not been reported in the literature. This variant is reported in 0.020% of alleles in individuals of European (Non-Finnish) descent in gnomAD. Although we suspect that this variant may be benign, at this time, the clinical significance of this variant is uncertain due to the absence of conclusive functional and genetic evidence.

Revvity Omics, Revvity
Classification: Uncertain significance for Congenital myopathy with internal nuclei and atypical cores. Last evaluated: 2024-07-04. Review status: criteria provided, single submitter. Criteria: ACMG Guidelines, 2015. Collection method: clinical testing. Allele origin: germline.

Ambry Genetics
Classification: Uncertain significance for Inborn genetic diseases. Last evaluated: 2024-01-22. Review status: criteria provided, single submitter. Criteria: Ambry Variant Classification Scheme 2023. Collection method: clinical testing. Allele origin: germline.

NM_001378030.1(CCDC78):c.436G>T (p.Val146Leu)

Gene: CCDC78 (coiled-coil domain containing 78; minus strand). Cytogenetic location: 16p13.3.
Variant type: single nucleotide variant.
Coding change: c.436G>T on transcript NM_001378030.1 (MANE Select); coding-DNA position 436, G replaced by T.
Protein change: p.Val146Leu; replaces valine 146 with leucine.
Molecular consequence: missense variant. On other transcripts: 5 prime UTR variant (1), non-coding transcript variant (5).
Genome position (GRCh38, 1-based): chr16:725,293, C>A on the plus strand (G>T on the coding strand, the complement: CCDC78 is on the minus strand). VCF-style: chr16-725293-C-A. GRCh37 (hg19) VCF-style: chr16-775293-C-A.
Other names: c.436G>T, p.Val146Leu (NM_001031737.3, NM_001378031.1); c.-18G>T (NM_001378033.1); short protein forms V146L.
Identifiers: ClinVar variation 576879 (VCV000576879.13), dbSNP rs148705181, ClinGen allele CA7789592.